The following is an entry in ClinVar:

NM_004370.6(COL12A1):c.5885T>C (p.Leu1962Pro)

Gene: COL12A1 (collagen type XII alpha 1 chain; minus strand). Cytogenetic location: 6q13.
Variant type: single nucleotide variant.
Coding change: c.5885T>C on transcript NM_004370.6 (MANE Select); coding-DNA position 5885, T replaced by C.
Protein change: p.Leu1962Pro; replaces leucine 1962 with proline.
Molecular consequence: missense variant.
Genome position (GRCh38, 1-based): chr6:75,131,992, A>G on the plus strand (T>C on the coding strand, the complement: COL12A1 is on the minus strand). VCF-style: chr6-75131992-A-G. GRCh37 (hg19) VCF-style: chr6-75841708-A-G.
Other names: c.2393T>C, p.Leu798Pro (NM_080645.3); short protein forms L798P, L1962P.
Identifiers: ClinVar variation 2054765 (VCV002054765.4), dbSNP rs764981809, ClinGen allele CA3892974.

ClinVar aggregate classification (germline): Uncertain significance (1 of 4 stars; one submission).

Conditions:
Ullrich congenital muscular dystrophy 2 (UCMD2). Identifiers: Orphanet 75840, MedGen C4225314, MONDO:0014654, OMIM 616470.
Bethlem myopathy 2 (BTHLM2). Identifiers: Orphanet 536516, Orphanet 610, MedGen C4225313, MONDO:0034022, OMIM 616471.

Allele frequency attached by ClinVar (database versions not stated): gnomAD exomes below 0.00001; TOPMed below 0.00001; ExAC 0.00001; gnomAD 0.00001.
gnomAD v4.1: 8 of 1,614,044 alleles (0.0005%); highest among the groups gnomAD compares: Non-Finnish European, 0.00068%; no homozygotes.

Submission:

Labcorp Genetics (formerly Invitae), Labcorp
Classification: Uncertain significance for Bethlem myopathy 2; Ullrich congenital muscular dystrophy 2. Last evaluated: 2024-04-18. Review status: criteria provided, single submitter. Criteria: Invitae Variant Classification Sherloc (09022015). Collection method: clinical testing. Allele origin: germline.
Comment: This sequence change replaces leucine, which is neutral and non-polar, with proline, which is neutral and non-polar, at codon 1962 of the COL12A1 protein (p.Leu1962Pro). This variant is present in population databases (rs764981809, gnomAD 0.0009%). This variant has not been reported in the literature in individuals affected with COL12A1-related conditions. ClinVar contains an entry for this variant (Variation ID: 2054765). Advanced modeling of protein sequence and biophysical properties (such as structural, functional, and spatial information, amino acid conservation, physicochemical variation, residue mobility, and thermodynamic stability) performed at Invitae indicates that this missense variant is not expected to disrupt COL12A1 protein function with a negative predictive value of 80%. In summary, the available evidence is currently insufficient to determine the role of this variant in disease. Therefore, it has been classified as a Variant of Uncertain Significance.